The following is an entry in ClinVar:

NM_002519.3(NPAT):c.917A>G (p.His306Arg)

Gene: NPAT (nuclear protein, coactivator of histone transcription; minus strand). Cytogenetic location: 11q22.3.
Variant type: single nucleotide variant.
Coding change: c.917A>G on transcript NM_002519.3 (MANE Select); coding-DNA position 917, A replaced by G.
Protein change: p.His306Arg; replaces histidine 306 with arginine.
Molecular consequence: missense variant.
Genome position (GRCh38, 1-based): chr11:108,177,080, T>C on the plus strand (A>G on the coding strand, the complement: NPAT is on the minus strand). VCF-style: chr11-108177080-T-C. GRCh37 (hg19) VCF-style: chr11-108047807-T-C.
Other names: c.917A>G, p.His306Arg (NM_001321307.1); short protein forms H306R.
Identifiers: ClinVar variation 2836773 (VCV002836773.3), dbSNP rs2496727371, ClinGen allele CA382517437.

ClinVar aggregate classification (germline): Uncertain significance (1 of 4 stars; one submission).

Submission:

Labcorp Genetics (formerly Invitae), Labcorp
Classification: Uncertain significance. Last evaluated: 2023-02-13. Review status: criteria provided, single submitter. Criteria: Invitae Variant Classification Sherloc (09022015). Collection method: clinical testing. Allele origin: germline.
Comment: This sequence change replaces histidine, which is basic and polar, with arginine, which is basic and polar, at codon 306 of the NPAT protein (p.His306Arg). This variant is not present in population databases (gnomAD no frequency). This variant has not been reported in the literature in individuals affected with NPAT-related conditions. Algorithms developed to predict the effect of missense changes on protein structure and function are either unavailable or do not agree on the potential impact of this missense change (SIFT: "Deleterious"; PolyPhen-2: "Probably Damaging"; Align-GVGD: "Class C0"). In summary, the available evidence is currently insufficient to determine the role of this variant in disease. Therefore, it has been classified as a Variant of Uncertain Significance.